The following is an entry in ClinVar:

ClinVar aggregate classification (germline): Uncertain significance (1 of 4 stars; one submission).

Conditions:
Congenital myasthenic syndrome 4A. Also called: Myasthenic syndrome, congenital, 4a, slow-channel; CONGENITAL MYASTHENIC SYNDROME TYPE Ia1; MYASTHENIC SYNDROME, CONGENITAL, 4A, SLOW-CHANNEL, AUTOSOMAL RECESSIVE. Identifiers: Orphanet 590, MedGen C4225413, MONDO:0011600, OMIM 605809.

Allele frequency attached by ClinVar (database versions not stated): gnomAD exomes below 0.00001.

Submission:

Labcorp Genetics (formerly Invitae), Labcorp
Classification: Uncertain significance for Congenital myasthenic syndrome 4A. Last evaluated: 2023-11-14. Review status: criteria provided, single submitter. Criteria: Invitae Variant Classification Sherloc (09022015). Collection method: clinical testing. Allele origin: germline.
Comment: This sequence change replaces leucine, which is neutral and non-polar, with proline, which is neutral and non-polar, at codon 354 of the CHRNE protein (p.Leu354Pro). This variant is not present in population databases (gnomAD no frequency). This variant has not been reported in the literature in individuals affected with CHRNE-related conditions. Advanced modeling of protein sequence and biophysical properties (such as structural, functional, and spatial information, amino acid conservation, physicochemical variation, residue mobility, and thermodynamic stability) has been performed at Invitae for this missense variant, however the output from this modeling did not meet the statistical confidence thresholds required to predict the impact of this variant on CHRNE protein function. In summary, the available evidence is currently insufficient to determine the role of this variant in disease. Therefore, it has been classified as a Variant of Uncertain Significance.

NM_000080.4(CHRNE):c.1061T>C (p.Leu354Pro)

Genes: CHRNE (cholinergic receptor nicotinic epsilon subunit; minus strand), LOC130060041 (ATAC-STARR-seq lymphoblastoid silent region 8050; plus strand). Cytogenetic location: 17p13.2.
Variant type: single nucleotide variant.
Coding change: c.1061T>C on transcript NM_000080.4 (MANE Select); coding-DNA position 1061, T replaced by C.
Protein change: p.Leu354Pro; replaces leucine 354 with proline.
Molecular consequence: missense variant.
Genome position (GRCh38, 1-based): chr17:4,899,356, A>G on the plus strand (T>C on the coding strand, the complement: CHRNE is on the minus strand). VCF-style: chr17-4899356-A-G. GRCh37 (hg19) VCF-style: chr17-4802651-A-G.
Other names: short protein forms L354P.
Identifiers: ClinVar variation 2695689 (VCV002695689.3), dbSNP rs760538111, ClinGen allele CA8314035.